The following is an entry in ClinVar:

ClinVar aggregate classification (germline): Uncertain significance (1 of 4 stars; one submission).

Allele frequency attached by ClinVar (database versions not stated): gnomAD 0.00001.
gnomAD v4.1: 7 of 1,608,132 alleles (0.00044%); highest among the groups gnomAD compares: Admixed American, 0.0067%; no homozygotes.

Submission:

Labcorp Genetics (formerly Invitae), Labcorp
Classification: Uncertain significance. Last evaluated: 2024-06-17. Review status: criteria provided, single submitter. Criteria: Invitae Variant Classification Sherloc (09022015). Collection method: clinical testing. Allele origin: germline.
Comment: This sequence change replaces glycine, which is neutral and non-polar, with arginine, which is basic and polar, at codon 144 of the OAS1 protein (p.Gly144Arg). This variant is not present in population databases (gnomAD no frequency). This variant has not been reported in the literature in individuals affected with OAS1-related conditions. ClinVar contains an entry for this variant (Variation ID: 1920156). Algorithms developed to predict the effect of missense changes on protein structure and function output the following: SIFT: "Not Available"; PolyPhen-2: "Benign"; Align-GVGD: "Not Available". The arginine amino acid residue is found in multiple mammalian species, which suggests that this missense change does not adversely affect protein function. In summary, the available evidence is currently insufficient to determine the role of this variant in disease. Therefore, it has been classified as a Variant of Uncertain Significance.

NM_016816.4(OAS1):c.430G>C (p.Gly144Arg)

Gene: OAS1 (2'-5'-oligoadenylate synthetase 1; plus strand). Cytogenetic location: 12q24.13.
Variant type: single nucleotide variant.
Coding change: c.430G>C on transcript NM_016816.4 (MANE Select); coding-DNA position 430, G replaced by C.
Protein change: p.Gly144Arg; replaces glycine 144 with arginine.
Molecular consequence: missense variant.
Genome position (GRCh38, 1-based): chr12:112,908,785, G>C. VCF-style: chr12-112908785-G-C. GRCh37 (hg19) VCF-style: chr12-113346590-G-C.
Other names: c.430G>C, p.Gly144Arg (NM_001032409.3, NM_001320151.2, NM_001406020.1 and 7 more transcripts); short protein forms G144R.
Identifiers: ClinVar variation 1920156 (VCV001920156.5), dbSNP rs747193487, ClinGen allele CA386800961.